The following is an entry in ClinVar:

ClinVar aggregate classification (germline): Benign (3 of 4 stars; one submission).

Conditions:
Breast-ovarian cancer, familial, susceptibility to, 2 (BROVCA2). Also called: BRCA2 Hereditary Breast and Ovarian Cancer. Identifiers: Orphanet 145, MedGen C2675520, MONDO:0012933, OMIM 612555. Disease mechanism: loss of function.

Submission:

Evidence-based Network for the Interpretation of Germline Mutant Alleles (ENIGMA)
Classification: Benign for Breast-ovarian cancer, familial 2. Last evaluated: 2015-01-12. Review status: reviewed by expert panel. Criteria: ENIGMA BRCA1/2 Classification Criteria (2015). Collection method: curation. Allele origin: germline.
Comment: Class 1 not pathogenic based on frequency >1% in an outbred sampleset. Frequency 0.04 (African), derived from 1000 genomes (2012-04-30).

NM_000059.4(BRCA2):c.425+281_425+284del

Gene: BRCA2 (BRCA2 DNA repair associated; plus strand). Cytogenetic location: 13q13.1.
Variant type: Microsatellite.
Coding change: c.425+281_425+284del on transcript NM_000059.4 (MANE Select); bases 281 to 284 of the intron after coding-DNA position 425, 4 bases deleted (AGTC; older notation c.425+281_425+284delAGTC).
Molecular consequence: intron variant.
Genome position (GRCh38, 1-based): chr13:32,325,465-32,325,468, AGTC deleted; deleting any 4 consecutive bases within chr13:32,325,461-32,325,468 gives the same sequence; the c. name uses the placement nearest the transcript's 3' end. VCF-style (leftmost placement, unchanged base first): chr13-32325460-AAGTC-A. GRCh37 (hg19) VCF-style: chr13-32899597-AAGTC-A.
Other names: IVS 4+277del4.
Identifiers: ClinVar variation 209645 (VCV000209645.1), dbSNP rs202006492, ClinGen allele CA276614.
Genomic context (GRCh38, chr13:32,325,460, plus strand): 5'-TGGTTTTCTGTATATTCTGTGATTTTTTAAGTAACAAAAATAACAGTGGTGAAAAGCAGT[AAGTC>A]AGTCCTTGAATTATCAATTTAAAATAAATTGTGTACTTTTCATCTTTGGAGAGAATATGA-3'